The following is an entry in ClinVar:

NM_001130144.3(LTBP3):c.994C>T (p.Pro332Ser)

Gene: LTBP3 (latent transforming growth factor beta binding protein 3; minus strand). Cytogenetic location: 11q13.1.
Variant type: single nucleotide variant.
Coding change: c.994C>T on transcript NM_001130144.3 (MANE Select); coding-DNA position 994, C replaced by T.
Protein change: p.Pro332Ser; replaces proline 332 with serine.
Molecular consequence: missense variant.
Genome position (GRCh38, 1-based): chr11:65,553,233, G>A on the plus strand (C>T on the coding strand, the complement: LTBP3 is on the minus strand). VCF-style: chr11-65553233-G-A. GRCh37 (hg19) VCF-style: chr11-65320704-G-A.
Other names: c.643C>T, p.Pro215Ser (NM_001164266.1); c.994C>T, p.Pro332Ser (NM_021070.4); short protein forms P215S, P332S.
Identifiers: ClinVar variation 3233193 (VCV003233193.1), dbSNP rs149834363, ClinGen allele CA6101102.

ClinVar aggregate classification (germline): Uncertain significance (1 of 4 stars; one submission).

Conditions:
Inborn genetic diseases. Identifiers: MedGen C0950123, MeSH D030342.

Allele frequency attached by ClinVar (database versions not stated): ExAC 0.00001; ESP Exome Variant Server 0.00008.
gnomAD v4.1: 17 of 1,614,128 alleles (0.0011%); highest among the groups gnomAD compares: Non-Finnish European, 0.0014%; no homozygotes.

Submission:

Ambry Genetics
Classification: Uncertain significance for Inborn genetic diseases. Last evaluated: 2023-10-29. Review status: criteria provided, single submitter. Criteria: Ambry Variant Classification Scheme 2023. Collection method: clinical testing. Allele origin: germline.
Comment: The p.P332S variant (also known as c.994C>T), located in coding exon 5 of the LTBP3 gene, results from a C to T substitution at nucleotide position 994. The proline at codon 332 is replaced by serine, an amino acid with similar properties. This amino acid position is conserved. In addition, this alteration is predicted to be tolerated by in silico analysis. Since supporting evidence is limited at this time, the clinical significance of this alteration remains unclear.